The following is an entry in ClinVar:

NM_001130438.3(SPTAN1):c.6288C>A (p.Asp2096Glu)

Gene: SPTAN1 (spectrin alpha, non-erythrocytic 1; plus strand). Cytogenetic location: 9q34.11.
Variant type: single nucleotide variant.
Coding change: c.6288C>A on transcript NM_001130438.3 (MANE Select); coding-DNA position 6288, C replaced by A.
Protein change: p.Asp2096Glu; replaces aspartic acid 2096 with glutamic acid.
Molecular consequence: missense variant.
Genome position (GRCh38, 1-based): chr9:128,626,399, C>A. VCF-style: chr9-128626399-C-A. GRCh37 (hg19) VCF-style: chr9-131388678-C-A.
Other names: c.6213C>A, p.Asp2071Glu (NM_001195532.2); c.6288C>A, p.Asp2096Glu (NM_001363759.2, NM_001375310.1, NM_001375311.2 and 1 more transcripts); c.6228C>A, p.Asp2076Glu (NM_001363765.2, NM_001375314.2); c.6324C>A, p.Asp2108Glu (NM_001375312.2, NM_001375318.1); c.6273C>A, p.Asp2091Glu (NM_003127.4); short protein forms D2071E, D2076E, D2091E, D2096E, D2108E.
Identifiers: ClinVar variation 3605858 (VCV003605858.2).

ClinVar aggregate classification (germline): Uncertain significance (1 of 4 stars; one submission).

Conditions:
Early-infantile DEE. Also called: Early infantile epileptic encephalopathy; Ohtahara syndrome; Early infantile epileptic encephalopathy with suppression bursts. Identifiers: Orphanet 1934, MedGen C0393706, MONDO:0800491.

gnomAD v4.1: 2 of 1,614,012 alleles (0.00012%); highest among the groups gnomAD compares: Non-Finnish European, 0.000085%; no homozygotes.

Submission:

Labcorp Genetics (formerly Invitae), Labcorp
Classification: Uncertain significance for Early-infantile DEE. Last evaluated: 2025-03-17. Review status: criteria provided, single submitter. Criteria: Invitae Variant Classification Sherloc (09022015). Collection method: clinical testing. Allele origin: germline.
Comment: This sequence change replaces aspartic acid, which is acidic and polar, with glutamic acid, which is acidic and polar, at codon 2096 of the SPTAN1 protein (p.Asp2096Glu). This variant is not present in population databases (gnomAD no frequency). This variant has not been reported in the literature in individuals affected with SPTAN1-related conditions. Invitae Evidence Modeling of protein sequence and biophysical properties (such as structural, functional, and spatial information, amino acid conservation, physicochemical variation, residue mobility, and thermodynamic stability) has been performed for this missense variant. However, the output from this modeling did not meet the statistical confidence thresholds required to predict the impact of this variant on SPTAN1 protein function. In summary, the available evidence is currently insufficient to determine the role of this variant in disease. Therefore, it has been classified as a Variant of Uncertain Significance.